The following is an entry in ClinVar:

ClinVar aggregate classification (germline): Likely pathogenic. Review status: criteria provided, multiple submitters, no conflicts (2 of 4 stars). 2 submissions from 2 submitters: Likely pathogenic (2). Last evaluated 2025-12-01.

Conditions:
Hereditary cancer-predisposing syndrome. Also called: Hereditary neoplastic syndrome; Neoplastic Syndromes, Hereditary; Hereditary Cancer Syndrome; Tumor predisposition. Identifiers: Orphanet 140162, MedGen C0027672, MeSH D009386, MONDO:0015356.
Familial adenomatous polyposis 1 (FAP1). Also called: POLYPOSIS, ADENOMATOUS INTESTINAL; FAMILIAL ADENOMATOUS POLYPOSIS 1, ATTENUATED. Identifiers: MedGen C2713442, MONDO:0021056, OMIM 175100. Disease mechanism: loss of function.

Submissions (2):

Ambry Genetics
Classification: Likely pathogenic for Hereditary cancer-predisposing syndrome. Last evaluated: 2025-12-01. Review status: criteria provided, single submitter. Criteria: Ambry Variant Classification Scheme 2023. Collection method: clinical testing. Allele origin: germline.
Comment: The c.933+809T>G intronic variant results from a T to G substitution 809 nucleotides after coding exon 8 in the APC gene. This variant was reported in individual(s) with features consistent with familial adenomatous polyposis (Ambry internal data). This nucleotide position is well conserved in available vertebrate species. In silico splice site analysis predicts that this alteration will result in the creation or strengthening of a novel splice donor site. RNA studies have demonstrated that this alteration results in abnormal splicing in the set of samples tested (Ambry internal data). Another variant (c.933+829 A>G) has been shown to have a similar impact on splicing in individuals with features consistent with familial adenomatous polyposis (Young, CC et al. JCO Precis Oncol 2024 Mar;8:e2300404; Ambry internal data). This variant is considered to be rare based on population cohorts in the Genome Aggregation Database (gnomAD). Based on the majority of available evidence to date, this variant is likely to be pathogenic.

Labcorp Genetics (formerly Invitae), Labcorp
Classification: Likely pathogenic for Familial adenomatous polyposis 1. Last evaluated: 2024-07-22. Review status: criteria provided, single submitter. Criteria: Invitae Variant Classification Sherloc (09022015). Collection method: clinical testing. Allele origin: germline.
Comment: This sequence change falls in intron 9 of the APC gene. It does not directly change the encoded amino acid sequence of the APC protein. RNA analysis indicates that this variant induces altered splicing and may result in an absent or altered protein product. This variant is not present in population databases (gnomAD no frequency). This variant has not been reported in the literature in individuals affected with APC-related conditions. ClinVar contains an entry for this variant (Variation ID: 1487691). Studies have shown that this variant results in activation of a cryptic splice site, and produces a non-functional protein and/or introduces a premature termination codon (Invitae). In summary, the currently available evidence indicates that the variant is pathogenic, but additional data are needed to prove that conclusively. Therefore, this variant has been classified as Likely Pathogenic.

Literature cited by the submitters: PubMed 38564685 (cited by Ambry Genetics).

NM_000038.6(APC):c.933+809T>G

Gene: APC (APC regulator of Wnt signaling pathway; plus strand). Cytogenetic location: 5q22.2.
Variant type: single nucleotide variant.
Coding change: c.933+809T>G on transcript NM_000038.6 (MANE Select); 809 bases into the intron after coding-DNA position 933, T replaced by G.
Molecular consequence: intron variant.
Genome position (GRCh38, 1-based): chr5:112,816,402, T>G. VCF-style: chr5-112816402-T-G. GRCh37 (hg19) VCF-style: chr5-112152099-T-G.
Other names: c.933+809T>G (NM_001354895.2, NM_001127510.3, NM_001354896.2 and 2 more transcripts); c.963+809T>G (NM_001354897.2, NM_001354902.2); c.879+809T>G (NM_001127511.3); c.858+809T>G (NM_001354898.2, NM_001354904.2); c.84+809T>G (NM_001354906.2); c.849+809T>G (NM_001354899.2); c.756+809T>G (NM_001354900.2, NM_001354901.2, NM_001354905.2).
Identifiers: ClinVar variation 1487691 (VCV001487691.7), dbSNP rs2149767732, ClinGen allele CA2573138816.
Genomic context (GRCh38, chr5:112,816,402, plus strand): 5'-CTAACAGAGTGCCTGCACATGAGTAAATATGTATTGAGGTGAATGGAAAAATTGTTGAAG[T>G]TGAGTGTTATTTCATGCTGATAAGTGAGCTTTCTTAGAGTATCTTTCTTAGATGTTAGCA-3'